The following is an entry in ClinVar:

NM_000103.4(CYP19A1):c.1289T>C (p.Phe430Ser)

Genes: MIR4713HG (MIR4713 host gene; plus strand), PIRC66 (piwi-interacting RNA cluster 66; plus strand), CYP19A1 (cytochrome P450 family 19 subfamily A member 1; minus strand). Cytogenetic location: 15q21.2.
Variant type: single nucleotide variant.
Coding change: c.1289T>C on transcript NM_000103.4 (MANE Select); coding-DNA position 1289, T replaced by C.
Protein change: p.Phe430Ser; replaces phenylalanine 430 with serine.
Molecular consequence: missense variant.
Genome position (GRCh38, 1-based): chr15:51,211,031, A>G on the plus strand (T>C on the coding strand, the complement: CYP19A1 is on the minus strand). VCF-style: chr15-51211031-A-G. GRCh37 (hg19) VCF-style: chr15-51503228-A-G.
Other names: c.1289T>C (NM_031226.2); c.1289T>C, p.Phe430Ser (NM_001347248.1, NM_001347249.2, NM_001347250.2 and 7 more transcripts); short protein forms F430S.
Identifiers: ClinVar variation 1434482 (VCV001434482.7), dbSNP rs2030919916, ClinGen allele CA392424445.

ClinVar aggregate classification (germline): Uncertain significance. Review status: criteria provided, multiple submitters, no conflicts (2 of 4 stars). 2 submissions from 2 submitters: Uncertain significance (2). Last evaluated 2025-06-19.

Conditions:
Inborn genetic diseases. Identifiers: MedGen C0950123, MeSH D030342.

Allele frequency attached by ClinVar (database versions not stated): gnomAD 0.00001; TOPMed 0.00002.
gnomAD v4.1: 5 of 1,589,800 alleles (0.00031%); highest among the groups gnomAD compares: Admixed American, 0.0033%; no homozygotes.

Submissions (2):

Ambry Genetics
Classification: Uncertain significance for Inborn genetic diseases. Last evaluated: 2025-06-19. Review status: criteria provided, single submitter. Criteria: Ambry Variant Classification Scheme 2023. Collection method: clinical testing. Allele origin: germline.

Labcorp Genetics (formerly Invitae), Labcorp
Classification: Uncertain significance. Last evaluated: 2024-06-25. Review status: criteria provided, single submitter. Criteria: Invitae Variant Classification Sherloc (09022015). Collection method: clinical testing. Allele origin: germline.
Comment: This sequence change replaces phenylalanine, which is neutral and non-polar, with serine, which is neutral and polar, at codon 430 of the CYP19A1 protein (p.Phe430Ser). This variant is not present in population databases (gnomAD no frequency). This variant has not been reported in the literature in individuals affected with CYP19A1-related conditions. ClinVar contains an entry for this variant (Variation ID: 1434482). Advanced modeling of protein sequence and biophysical properties (such as structural, functional, and spatial information, amino acid conservation, physicochemical variation, residue mobility, and thermodynamic stability) performed at Invitae indicates that this missense variant is expected to disrupt CYP19A1 protein function with a positive predictive value of 80%. In summary, the available evidence is currently insufficient to determine the role of this variant in disease. Therefore, it has been classified as a Variant of Uncertain Significance.